The following is an entry in ClinVar:

NM_000045.4(ARG1):c.19A>C (p.Thr7Pro)

Gene: ARG1 (arginase 1; plus strand). Cytogenetic location: 6q23.2.
Variant type: single nucleotide variant.
Coding change: c.19A>C on transcript NM_000045.4 (MANE Select); coding-DNA position 19, A replaced by C.
Protein change: p.Thr7Pro; replaces threonine 7 with proline.
Molecular consequence: missense variant. On other transcripts: non-coding transcript variant (1).
Genome position (GRCh38, 1-based): chr6:131,573,301, A>C. VCF-style: chr6-131573301-A-C. GRCh37 (hg19) VCF-style: chr6-131894441-A-C.
Other names: c.19A>C, p.Thr7Pro (NM_001244438.2, NM_001369020.1); short protein forms T7P.
Identifiers: ClinVar variation 1362705 (VCV001362705.9), dbSNP rs989204710, ClinGen allele CA147890862.

ClinVar aggregate classification (germline): Conflicting classifications of pathogenicity. Review status: criteria provided, conflicting classifications (1 of 4 stars). 3 submissions from 3 submitters: Uncertain significance (2); Likely benign (1). Last evaluated 2025-05-15.

Conditions:
Arginase deficiency. Also called: ARGININEMIA; ARG1 DEFICIENCY; Arginase 1 Deficiency. Identifiers: Orphanet 90, MedGen C0268548, MONDO:0008814, OMIM 207800.

Allele frequency attached by ClinVar (database versions not stated): gnomAD exomes below 0.00001.
gnomAD v4.1: 4 of 1,614,102 alleles (0.00025%); highest among the groups gnomAD compares: Admixed American, 0.0033%; no homozygotes.

Submissions (3):

Dasa
Classification: Uncertain significance. Last evaluated: 2025-05-15. Review status: criteria provided, single submitter. Criteria: DASA Assertion Criteria. Collection method: clinical testing. Allele origin: germline.
Comment: NM_000045.4(ARG1):c.19A>C (p.Thr7Pro) is a missense variant that results in the substitution of threonine with proline. This variant is rare in population databases. Computational prediction algorithms are consistent with a benign effect. The currently available literature and clinical evidence are not sufficient to establish a definitive association between this variant and the reported condition. Therefore, this variant is classified as a variant of uncertain significance.

Labcorp Genetics (formerly Invitae), Labcorp
Classification: Uncertain significance for Arginase deficiency. Last evaluated: 2024-11-11. Review status: criteria provided, single submitter. Criteria: Invitae Variant Classification Sherloc (09022015). Collection method: clinical testing. Allele origin: germline.
Comment: This sequence change replaces threonine, which is neutral and polar, with proline, which is neutral and non-polar, at codon 7 of the ARG1 protein (p.Thr7Pro). This variant is not present in population databases (gnomAD no frequency). This variant has not been reported in the literature in individuals affected with ARG1-related conditions. ClinVar contains an entry for this variant (Variation ID: 1362705). Invitae Evidence Modeling of protein sequence and biophysical properties (such as structural, functional, and spatial information, amino acid conservation, physicochemical variation, residue mobility, and thermodynamic stability) indicates that this missense variant is not expected to disrupt ARG1 protein function with a negative predictive value of 80%. In summary, the available evidence is currently insufficient to determine the role of this variant in disease. Therefore, it has been classified as a Variant of Uncertain Significance.

Blueprint Genetics
Classification: Likely benign. Last evaluated: 2023-03-02. Review status: criteria provided, single submitter. Criteria: ACMG Guidelines, 2015. Collection method: clinical testing. Allele origin: germline.